The following is an entry in ClinVar:

ClinVar aggregate classification (germline): Likely benign. Review status: criteria provided, single submitter (1 of 4 stars). 2 submissions from 2 submitters: Likely benign (1). 1 of the submissions does not count toward it. Last evaluated 2025-11-16.

Conditions:
IRF4-related disorder. Also called: IRF4-related condition.

Allele frequency attached by ClinVar (database versions not stated): gnomAD 0.00003 and 0.00004; TOPMed 0.00006; gnomAD exomes 0.00007 and 0.00016; ExAC 0.00014.
gnomAD v4.1: 48 of 1,613,878 alleles (0.003%); highest among the groups gnomAD compares: Admixed American, 0.078%; no homozygotes.

Submissions (2):

Labcorp Genetics (formerly Invitae), Labcorp
Classification: Likely benign. Last evaluated: 2025-11-16. Review status: criteria provided, single submitter. Criteria: Invitae Variant Classification Sherloc (09022015). Collection method: clinical testing. Allele origin: germline.

PreventionGenetics, part of Exact Sciences
Classification: Likely benign for IRF4-related condition. Last evaluated: 2019-05-03. Review status: no assertion criteria provided. Collection method: clinical testing. Allele origin: germline. Not counted in ClinVar's aggregate classification.
Comment: This variant is classified as likely benign based on ACMG/AMP sequence variant interpretation guidelines (Richards et al. 2015 PMID: 25741868, with internal and published modifications).

NM_002460.4(IRF4):c.819C>T (p.Gly273=)

Gene: IRF4 (interferon regulatory factor 4; plus strand). Cytogenetic location: 6p25.3.
Variant type: single nucleotide variant.
Coding change: c.819C>T on transcript NM_002460.4 (MANE Select); coding-DNA position 819, C replaced by T.
Protein change: p.Gly273=; no amino-acid change (glycine 273 retained).
Molecular consequence: synonymous variant. On other transcripts: non-coding transcript variant (1).
Genome position (GRCh38, 1-based): chr6:401,497, C>T. VCF-style: chr6-401497-C-T. GRCh37 (hg19) VCF-style: chr6-401497-C-T.
Other names: c.816C>T, p.Gly272= (NM_001195286.2); c.819C>T (NM_002460.3).
Identifiers: ClinVar variation 1636712 (VCV001636712.10), dbSNP rs759268431, ClinGen allele CA3612825.